The following is an entry in ClinVar:

ClinVar aggregate classification (germline): Likely pathogenic (1 of 4 stars; one submission).

Conditions:
Dilated cardiomyopathy 1G (CMD1G). Identifiers: Orphanet 154, MedGen C1858763, MONDO:0011400, OMIM 604145.
Autosomal recessive limb-girdle muscular dystrophy type 2J (LGMDR10). Also called: Limb-girdle muscular dystrophy, type 2J; MUSCULAR DYSTROPHY, LIMB-GIRDLE, AUTOSOMAL RECESSIVE 10. Identifiers: Orphanet 140922, MedGen C1837342, MONDO:0012127, OMIM 608807.

Submission:

Labcorp Genetics (formerly Invitae), Labcorp
Classification: Likely pathogenic for Dilated cardiomyopathy 1G; Autosomal recessive limb-girdle muscular dystrophy type 2J. Last evaluated: 2024-10-18. Review status: criteria provided, single submitter. Criteria: Invitae Variant Classification Sherloc (09022015). Collection method: clinical testing. Allele origin: germline.
Comment: This sequence change creates a premature translational stop signal (p.Glu14430Lysfs*12) in the TTN gene. While this is not anticipated to result in nonsense mediated decay, it is expected to create a truncated TTN protein. This variant is not present in population databases (gnomAD no frequency). This variant has not been reported in the literature in individuals affected with TTN-related conditions. ClinVar contains an entry for this variant (Variation ID: 2109938). Algorithms developed to predict the effect of sequence changes on RNA splicing suggest that this variant may create or strengthen a splice site. This variant is located in the I band of TTN (PMID: 25589632). Truncating variants in this region have been reported in individuals affected with autosomal recessive centronuclear myopathy (PMID: 23975875, internal data). Truncating variants in this region have also been identified in individuals affected with autosomal dominant dilated cardiomyopathy and/or cardio-related conditions (PMID: 27869827, 32964742, internal data). In summary, the currently available evidence indicates that the variant is pathogenic, but additional data are needed to prove that conclusively. Therefore, this variant has been classified as Likely Pathogenic.

Literature cited by the submitters: PubMed 25589632; PubMed 23975875; PubMed 27869827; PubMed 32964742.

NM_001267550.2(TTN):c.43288del (p.Glu14430fs)

Gene: TTN (titin; minus strand). Cytogenetic location: 2q31.2.
Variant type: Deletion.
Coding change: c.43288del on transcript NM_001267550.2 (MANE Select); coding-DNA position 43288, one base deleted (G; older notation c.43288delG).
Protein change: p.Glu14430fs; shifts the reading frame from glutamic acid 14430.
Molecular consequence: frameshift variant.
Genome position (GRCh38, 1-based): chr2:178,632,718, C deleted on the plus strand (G on the coding strand, the reverse complement: TTN is on the minus strand). VCF-style (leftmost placement, unchanged base first): chr2-178632717-TC-T. GRCh37 (hg19) VCF-style: chr2-179497444-TC-T.
Other names: c.38365del, p.Glu12789fs (NM_001256850.1); c.16093del, p.Glu5365fs (NM_003319.4); c.35584del, p.Glu11862fs (NM_133378.4); c.16468del, p.Glu5490fs (NM_133432.3); c.16669del, p.Glu5557fs (NM_133437.4); short protein forms E11862fs, E12789fs, E14430fs, E5490fs, E5365fs, E5557fs.
Identifiers: ClinVar variation 2109938 (VCV002109938.4), dbSNP rs2471475373, ClinGen allele CA2580065128.